The following is an entry in ClinVar:

ClinVar aggregate classification (germline): Uncertain significance (1 of 4 stars; one submission).

Conditions:
Familial adenomatous polyposis 1 (FAP1). Also called: FAMILIAL ADENOMATOUS POLYPOSIS 1, ATTENUATED; POLYPOSIS, ADENOMATOUS INTESTINAL. Identifiers: MedGen C2713442, MONDO:0021056, OMIM 175100. Disease mechanism: loss of function.

Submission:

Labcorp Genetics (formerly Invitae), Labcorp
Classification: Uncertain significance for Familial adenomatous polyposis 1. Last evaluated: 2026-01-04. Review status: criteria provided, single submitter. Criteria: Invitae Variant Classification Sherloc (09022015). Collection method: clinical testing. Allele origin: germline.
Comment: This sequence change replaces valine, which is neutral and non-polar, with isoleucine, which is neutral and non-polar, at codon 2112 of the APC protein (p.Val2112Ile). This variant is not present in population databases (gnomAD no frequency). This variant has not been reported in the literature in individuals affected with APC-related conditions. Invitae Evidence Modeling of protein sequence and biophysical properties (such as structural, functional, and spatial information, amino acid conservation, physicochemical variation, residue mobility, and thermodynamic stability) indicates that this missense variant is not expected to disrupt APC protein function with a negative predictive value of 95%. In summary, the available evidence is currently insufficient to determine the role of this variant in disease. Therefore, it has been classified as a Variant of Uncertain Significance.

NM_000038.6(APC):c.6334G>A (p.Val2112Ile)

Gene: APC (APC regulator of Wnt signaling pathway; plus strand). Cytogenetic location: 5q22.2.
Variant type: single nucleotide variant.
Coding change: c.6334G>A on transcript NM_000038.6 (MANE Select); coding-DNA position 6334, G replaced by A.
Protein change: p.Val2112Ile; replaces valine 2112 with isoleucine.
Molecular consequence: missense variant. On other transcripts: non-coding transcript variant (2).
Genome position (GRCh38, 1-based): chr5:112,841,928, G>A. VCF-style: chr5-112841928-G-A. GRCh37 (hg19) VCF-style: chr5-112177625-G-A.
Other names: c.6334G>A, p.Val2112Ile (NM_001127510.3, NM_001354895.2, NM_001407450.1); c.6280G>A, p.Val2094Ile (NM_001127511.3); c.6388G>A, p.Val2130Ile (NM_001354896.2, NM_001407447.1, NM_001407448.1 and 1 more transcripts); c.6364G>A, p.Val2122Ile (NM_001354897.2); c.6259G>A, p.Val2087Ile (NM_001354898.2); c.6250G>A, p.Val2084Ile (NM_001354899.2); c.6211G>A, p.Val2071Ile (NM_001354900.2); c.6157G>A, p.Val2053Ile (NM_001354901.2, NM_001407453.1); and 11 more; short protein forms V1728I, V1829I, V1952I, V1983I, V1986I, V2011I, V2021I, V2029I.
Identifiers: ClinVar variation 4801504 (VCV004801504.1).